The following is an entry in ClinVar:

ClinVar aggregate classification (germline): Benign. Review status: criteria provided, multiple submitters, no conflicts (2 of 4 stars). 4 submissions from 4 submitters: Benign (4). Last evaluated 2024-07-15.

Conditions:
Familial infantile myoclonic epilepsy (FIME). Also called: TBC1D24-Related Familial Infantile Myoclonic Epilepsy (FIME); Epilepsy, Myoclonic, Infantile. Identifiers: Orphanet 352582, MedGen C0917800, MONDO:0011506, OMIM 605021.

Allele frequency attached by ClinVar (database versions not stated): gnomAD exomes 0.05308; gnomAD 0.03630 and 0.04603; TOPMed 0.04185; 1000 Genomes Project 30x 0.11087; 1000 Genomes Project 0.11821.

Submissions (4):

Unidad de Genómica Garrahan, Hospital de Pediatría Garrahan
Classification: Benign. Last evaluated: 2024-07-15. Review status: criteria provided, single submitter. Criteria: ACMG Guidelines, 2015. Collection method: clinical testing. Allele origin: germline. Affected: no. Observed: 20 variant alleles.
Comment: This variant is classified as Benign based on local population frequency. This variant was detected in 22% of patients studied in a panel designed for Epileptic and Developmental Encephalopathy and Progressive Myoclonus Epilepsy. Number of patients: 20. Only high quality variants are reported.

GeneDx
Classification: Benign. Last evaluated: 2018-06-19. Review status: criteria provided, single submitter. Criteria: GeneDx Variant Classification Process June 2021. Collection method: clinical testing. Allele origin: germline. Affected: yes.

Illumina Laboratory Services, Illumina
Classification: Benign for Familial infantile myoclonic epilepsy. Last evaluated: 2018-01-13. Review status: criteria provided, single submitter. Criteria: ICSL Variant Classification Criteria 13 December 2019. Collection method: clinical testing. Allele origin: germline.
Comment: This variant was observed in the ICSL laboratory as part of a predisposition screen in an ostensibly healthy population. It had not been previously curated by ICSL or reported in the Human Gene Mutation Database (HGMD: prior to June 1st, 2018), and was therefore a candidate for classification through an automated scoring system. Utilizing variant allele frequency, disease prevalence and penetrance estimates, and inheritance mode, an automated score was calculated to assess if this variant is too frequent to cause the disease. Based on the score and internal cut-off values, a variant classified as benign is not then subjected to further curation. The score for this variant resulted in a classification of benign for this disease.

Breakthrough Genomics
Classification: Benign. Review status: criteria provided, single submitter. Criteria: ACMG Guidelines, 2015. Collection method: not provided. Allele origin: germline. Inheritance: Autosomal recessive inheritance. Affected: yes.

NM_001199107.2(TBC1D24):c.*56C>T

Gene: TBC1D24 (TBC1 domain family member 24; plus strand). Cytogenetic location: 16p13.3.
Variant type: single nucleotide variant.
Coding change: c.*56C>T on transcript NM_001199107.2 (MANE Select); 56 bases downstream of the stop codon, C replaced by T.
Molecular consequence: 3 prime UTR variant.
Genome position (GRCh38, 1-based): chr16:2,501,014, C>T. VCF-style: chr16-2501014-C-T. GRCh37 (hg19) VCF-style: chr16-2551015-C-T.
Other names: c.*56C>T (NM_020705.3).
Identifiers: ClinVar variation 318622 (VCV000318622.11), dbSNP rs76267944, ClinGen allele CA10643280.